The following is an entry in ClinVar:

NM_012062.5(DNM1L):c.106A>G (p.Ser36Gly)

Gene: DNM1L (dynamin 1 like; plus strand). Cytogenetic location: 12p11.21.
Variant type: single nucleotide variant.
Coding change: c.106A>G on transcript NM_012062.5 (MANE Select); coding-DNA position 106, A replaced by G.
Protein change: p.Ser36Gly; replaces serine 36 with glycine.
Molecular consequence: missense variant. On other transcripts: 5 prime UTR variant (1).
Genome position (GRCh38, 1-based): chr12:32,701,418, A>G. VCF-style: chr12-32701418-A-G. GRCh37 (hg19) VCF-style: chr12-32854352-A-G.
Other names: c.106A>G, p.Ser36Gly (NM_001278463.2, NM_001278464.2, NM_001278465.2 and 3 more transcripts); c.-100A>G (NM_001278466.2); short protein forms S36G.
Identifiers: ClinVar variation 253266 (VCV000253266.5), dbSNP rs879255688, ClinGen allele CA10586278.

ClinVar aggregate classification (germline): Conflicting classifications of pathogenicity. Review status: criteria provided, conflicting classifications (1 of 4 stars). 3 submissions from 3 submitters: Pathogenic (1); Uncertain significance (1). 1 of the submissions does not count toward it. Last evaluated 2023-12-01.

Conditions:
Encephalopathy, lethal, due to defective mitochondrial peroxisomal fission 1. Identifiers: Orphanet 330050, MedGen C3280660, MONDO:0013726, OMIM 614388.

Allele frequency attached by ClinVar (database versions not stated): gnomAD exomes below 0.00001.
gnomAD v4.1: 1 of 1,614,050 alleles (0.000062%); no homozygotes.

Submissions (3):

Labcorp Genetics (formerly Invitae), Labcorp
Classification: Uncertain significance. Last evaluated: 2023-12-01. Review status: criteria provided, single submitter. Criteria: Invitae Variant Classification Sherloc (09022015). Collection method: clinical testing. Allele origin: germline.
Comment: This sequence change replaces serine, which is neutral and polar, with glycine, which is neutral and non-polar, at codon 36 of the DNM1L protein (p.Ser36Gly). This variant is not present in population databases (gnomAD no frequency). This missense change has been observed in individual(s) with autosomal recessive encephalopathy (PMID: 27328748). In at least one individual the data is consistent with being in trans (on the opposite chromosome) from a pathogenic variant. ClinVar contains an entry for this variant (Variation ID: 253266). An algorithm developed to predict the effect of missense changes on protein structure and function (PolyPhen-2) suggests that this variant is likely to be disruptive. In summary, the available evidence is currently insufficient to determine the role of this variant in disease. Therefore, it has been classified as a Variant of Uncertain Significance.

GeneDx
Classification: Pathogenic. Last evaluated: 2016-09-20. Review status: criteria provided, single submitter. Criteria: GeneDx Variant Classification (06012015). Collection method: clinical testing. Allele origin: germline. Affected: yes.
Comment: The S36G variant in the DNM1L gene has previously been reported in two siblings with slowly progressive infantile encephalopathy who were also compound heterozygous for a frameshift variant in DNM1L (Nasca et al., 2016). Introduction of the S36G variant into DNM1 deficient S. cerevisiae found that S36G is associated with reduced oxygen consumption, respiratory activity, and COX activity compared to wildtype (Nasca et al., 2016). Additional functional studies found that S36G is also associated with abnormal mitochondrial fission (Nasca et al., 2016). The S36G variant was not observed in approximately 6,500 individuals of European and African American ancestry in the NHLBI Exome Sequencing Project, indicating it is not a common benign variant in these populations The S36G variant is a non-conservative amino acid substitution, which is likely to impact secondary protein structure as these residues differ in polarity, charge, size and/or other properties. This substitution occurs at a position that is conserved across species, and in silico analysis predicts this variant is probably damaging to the protein structure/function. Therefore, we interpret S36G to be a pathogenic variant.

OMIM
Classification: Pathogenic for ENCEPHALOPATHY DUE TO DEFECTIVE MITOCHONDRIAL AND PEROXISOMAL FISSION 1, AUTOSOMAL RECESSIVE. Last evaluated: 2016-08-25. Review status: no assertion criteria provided. Collection method: literature only. Allele origin: germline. Not counted in ClinVar's aggregate classification.

Literature cited by the submitters: PubMed 27328748 (cited by Labcorp Genetics (formerly Invitae), Labcorp and OMIM).